The following is an entry in ClinVar:

ClinVar aggregate classification (germline): Uncertain significance (1 of 4 stars; one submission).

Conditions:
Fanconi anemia (FA). Also called: Fanconi's anemia. Identifiers: Orphanet 84, MedGen C0015625, MeSH D005199, MONDO:0019391.

gnomAD v4.1: 13 of 1,613,344 alleles (0.00081%); highest among the groups gnomAD compares: Non-Finnish European, 0.0011%; no homozygotes.

Submission:

Labcorp Genetics (formerly Invitae), Labcorp
Classification: Uncertain significance for Fanconi anemia. Last evaluated: 2024-10-22. Review status: criteria provided, single submitter. Criteria: Invitae Variant Classification Sherloc (09022015). Collection method: clinical testing. Allele origin: germline.
Comment: This sequence change replaces threonine, which is neutral and polar, with isoleucine, which is neutral and non-polar, at codon 757 of the SLX4 protein (p.Thr757Ile). This variant is present in population databases (rs149897636, gnomAD 0.0009%). This variant has not been reported in the literature in individuals affected with SLX4-related conditions. An algorithm developed to predict the effect of missense changes on protein structure and function (PolyPhen-2) suggests that this variant is likely to be disruptive. In summary, the available evidence is currently insufficient to determine the role of this variant in disease. Therefore, it has been classified as a Variant of Uncertain Significance.

NM_032444.4(SLX4):c.2270C>T (p.Thr757Ile)

Gene: SLX4 (SLX4 structure-specific endonuclease subunit; minus strand). Cytogenetic location: 16p13.3.
Variant type: single nucleotide variant.
Coding change: c.2270C>T on transcript NM_032444.4 (MANE Select); coding-DNA position 2270, C replaced by T.
Protein change: p.Thr757Ile; replaces threonine 757 with isoleucine.
Molecular consequence: missense variant.
Genome position (GRCh38, 1-based): chr16:3,592,756, G>A on the plus strand (C>T on the coding strand, the complement: SLX4 is on the minus strand). VCF-style: chr16-3592756-G-A. GRCh37 (hg19) VCF-style: chr16-3642757-G-A.
Other names: short protein forms T757I.
Identifiers: ClinVar variation 3712754 (VCV003712754.1).